The following is an entry in ClinVar:

ClinVar aggregate classification (germline): Likely benign. Review status: criteria provided, multiple submitters, no conflicts (2 of 4 stars). 2 submissions from 2 submitters: Likely benign (2). Last evaluated 2026-04-01.

Allele frequency attached by ClinVar (database versions not stated): gnomAD exomes 0.00002 and 0.00006; ExAC 0.00003; gnomAD 0.00003; TOPMed 0.00003.
gnomAD v4.1: 39 of 1,613,914 alleles (0.0024%); highest among the groups gnomAD compares: East Asian, 0.016%; no homozygotes.

Submissions (2):

CeGaT Center for Human Genetics Tuebingen
Classification: Likely benign. Last evaluated: 2026-04-01. Review status: criteria provided, single submitter. Criteria: CeGaT Center For Human Genetics Tuebingen Variant Classification Criteria Version 2. Collection method: clinical testing. Allele origin: germline. Affected: yes. Observed: 1 variant allele.
Comment: RUBCN: BP4, BP7

Labcorp Genetics (formerly Invitae), Labcorp
Classification: Likely benign. Last evaluated: 2019-12-31. Review status: criteria provided, single submitter. Criteria: Invitae Variant Classification Sherloc (09022015). Collection method: clinical testing. Allele origin: germline.

NM_014687.4(RUBCN):c.1731G>A (p.Ser577=)

Gene: RUBCN (rubicon autophagy regulator; minus strand). Cytogenetic location: 3q29.
Variant type: single nucleotide variant.
Coding change: c.1731G>A on transcript NM_014687.4 (MANE Select); coding-DNA position 1731, G replaced by A.
Protein change: p.Ser577=; no amino-acid change (serine 577 retained).
Molecular consequence: synonymous variant.
Genome position (GRCh38, 1-based): chr3:197,693,770, C>T on the plus strand (G>A on the coding strand, the complement: RUBCN is on the minus strand). VCF-style: chr3-197693770-C-T. GRCh37 (hg19) VCF-style: chr3-197420641-C-T.
Other names: c.1596G>A, p.Ser532= (NM_001145642.5); c.1773G>A, p.Ser591= (NM_001346873.2).
Identifiers: ClinVar variation 728654 (VCV000728654.6), dbSNP rs769043892, ClinGen allele CA2786845.